The following is an entry in ClinVar:

NM_000466.3(PEX1):c.2755G>C (p.Glu919Gln)

Gene: PEX1 (peroxisomal biogenesis factor 1; minus strand). Cytogenetic location: 7q21.2.
Variant type: single nucleotide variant.
Coding change: c.2755G>C on transcript NM_000466.3 (MANE Select); coding-DNA position 2755, G replaced by C.
Protein change: p.Glu919Gln; replaces glutamic acid 919 with glutamine.
Molecular consequence: missense variant.
Genome position (GRCh38, 1-based): chr7:92,496,741, C>G on the plus strand (G>C on the coding strand, the complement: PEX1 is on the minus strand). VCF-style: chr7-92496741-C-G. GRCh37 (hg19) VCF-style: chr7-92126055-C-G.
Other names: c.2584G>C, p.Glu862Gln (NM_001282677.2); c.2131G>C, p.Glu711Gln (NM_001282678.2); short protein forms E711Q, E862Q, E919Q.
Identifiers: ClinVar variation 4747389 (VCV004747389.1).

ClinVar aggregate classification (germline): Uncertain significance (1 of 4 stars; one submission).

Conditions:
Zellweger spectrum disorders (ZS). Also called: Zellweger syndrome; Zellweger Spectrum Disorder; Zellweger Spectrum; Zellweger Spectrum Disorder (ZSD). Identifiers: Orphanet 912, MedGen C0043459, MONDO:0019609.

gnomAD v4.1: 5 of 1,610,164 alleles (0.00031%); highest among the groups gnomAD compares: Non-Finnish European, 0.00042%; no homozygotes.

Submission:

Labcorp Genetics (formerly Invitae), Labcorp
Classification: Uncertain significance for Zellweger spectrum disorders. Last evaluated: 2025-03-29. Review status: criteria provided, single submitter. Criteria: Invitae Variant Classification Sherloc (09022015). Collection method: clinical testing. Allele origin: germline.
Comment: This sequence change replaces glutamic acid, which is acidic and polar, with glutamine, which is neutral and polar, at codon 919 of the PEX1 protein (p.Glu919Gln). This variant is not present in population databases (gnomAD no frequency). This variant has not been reported in the literature in individuals affected with PEX1-related conditions. Invitae Evidence Modeling of protein sequence and biophysical properties (such as structural, functional, and spatial information, amino acid conservation, physicochemical variation, residue mobility, and thermodynamic stability) indicates that this missense variant is expected to disrupt PEX1 protein function with a positive predictive value of 95%. In summary, the available evidence is currently insufficient to determine the role of this variant in disease. Therefore, it has been classified as a Variant of Uncertain Significance.